The following is an entry in ClinVar:

ClinVar aggregate classification (germline): Benign/Likely benign. Review status: criteria provided, multiple submitters, no conflicts (2 of 4 stars). 7 submissions from 7 submitters: Benign (5); Likely benign (2). Last evaluated 2026-02-02.

Conditions:
Fanconi anemia complementation group P. Also called: SLX4-Related Fanconi Anemia. Identifiers: Orphanet 84, MedGen C3469542, MONDO:0013499, OMIM 613951.
Fanconi anemia (FA). Also called: Fanconi's anemia. Identifiers: Orphanet 84, MedGen C0015625, MeSH D005199, MONDO:0019391.

Allele frequency attached by ClinVar (database versions not stated): ExAC 0.00294; 1000 Genomes Project 0.00759; 1000 Genomes Project 30x 0.00812; ESP Exome Variant Server 0.00954; gnomAD 0.00995 and 0.00899; TOPMed 0.01047; gnomAD exomes 0.00074 and 0.00226.
gnomAD v4.1: 2,514 of 1,614,234 alleles (0.16%); highest among the groups gnomAD compares: African/African-American, 3%; 34 homozygotes.

Submissions (7):

Labcorp Genetics (formerly Invitae), Labcorp
Classification: Benign for Fanconi anemia. Last evaluated: 2026-02-02. Review status: criteria provided, single submitter. Criteria: Invitae Variant Classification Sherloc (09022015). Collection method: clinical testing. Allele origin: germline.

ARUP Laboratories, Molecular Genetics and Genomics, ARUP Laboratories
Classification: Benign for Fanconi anemia complementation group P. Last evaluated: 2024-10-10. Review status: criteria provided, single submitter. Criteria: ARUP Molecular Germline Variant Investigation Process 2024. Collection method: clinical testing. Allele origin: germline.

KCCC/NGS Laboratory, Kuwait Cancer Control Center
Classification: Benign for Fanconi anemia complementation group P. Last evaluated: 2023-07-07. Review status: criteria provided, single submitter. Criteria: ACMG Guidelines, 2015. Collection method: clinical testing. Allele origin: germline. Affected: yes.

GeneDx
Classification: Likely benign. Last evaluated: 2020-11-24. Review status: criteria provided, single submitter. Criteria: GeneDx Variant Classification Process June 2021. Collection method: clinical testing. Allele origin: germline. Affected: yes.

Genetic Services Laboratory, University of Chicago
Classification: Benign. Last evaluated: 2020-10-07. Review status: criteria provided, single submitter. Criteria: ACMG Guidelines, 2015. Collection method: clinical testing. Allele origin: germline. Affected: no.

Illumina Laboratory Services, Illumina
Classification: Benign for Fanconi anemia complementation group P. Last evaluated: 2018-01-12. Review status: criteria provided, single submitter. Criteria: ICSL Variant Classification Criteria 13 December 2019. Collection method: clinical testing. Allele origin: germline.
Comment: This variant was observed in the ICSL laboratory as part of a predisposition screen in an ostensibly healthy population. It had not been previously curated by ICSL or reported in the Human Gene Mutation Database (HGMD: prior to June 1st, 2018), and was therefore a candidate for classification through an automated scoring system. Utilizing variant allele frequency, disease prevalence and penetrance estimates, and inheritance mode, an automated score was calculated to assess if this variant is too frequent to cause the disease. Based on the score and internal cut-off values, a variant classified as benign is not then subjected to further curation. The score for this variant resulted in a classification of benign for this disease.

Breakthrough Genomics
Classification: Likely benign. Review status: criteria provided, single submitter. Criteria: ACMG Guidelines, 2015. Collection method: not provided. Allele origin: germline. Inheritance: Autosomal recessive inheritance. Affected: yes.

NM_032444.4(SLX4):c.5146T>A (p.Ser1716Thr)

Gene: SLX4 (SLX4 structure-specific endonuclease subunit; minus strand). Cytogenetic location: 16p13.3.
Variant type: single nucleotide variant.
Coding change: c.5146T>A on transcript NM_032444.4 (MANE Select); coding-DNA position 5146, T replaced by A.
Protein change: p.Ser1716Thr; replaces serine 1716 with threonine.
Molecular consequence: missense variant.
Genome position (GRCh38, 1-based): chr16:3,583,104, A>T on the plus strand (T>A on the coding strand, the complement: SLX4 is on the minus strand). VCF-style: chr16-3583104-A-T. GRCh37 (hg19) VCF-style: chr16-3633105-A-T.
Other names: c.5146T>A (LRG_503t1, NM_032444.3); short protein forms S1716T.
Identifiers: ClinVar variation 241694 (VCV000241694.25), dbSNP rs75182789, ClinGen allele CA7865421.